The following is an entry in ClinVar:

ClinVar aggregate classification (germline): Benign. Review status: criteria provided, multiple submitters, no conflicts (2 of 4 stars). 15 submissions from 15 submitters: Benign (11). 4 of the submissions do not count toward it. Last evaluated 2026-02-04.

Conditions:
Glutaric acidemia type 2C.
Multiple acyl-CoA dehydrogenase deficiency (MADD). Also called: Glutaric aciduria, type 2; Glutaric acidemia type II; GA 2; ETHYLMALONIC-ADIPICACIDURIA; GA II; Glutaric Acidemia type 2. Identifiers: Orphanet 26791, MedGen C0268596, MONDO:0009282, OMIM 231680.

Allele frequency attached by ClinVar (database versions not stated): ExAC 0.81192; gnomAD exomes 0.84688 and 0.81906; TOPMed 0.65017; gnomAD 0.67086 and 0.68539; 1000 Genomes Project 30x 0.65725; 1000 Genomes Project 0.67272; ESP Exome Variant Server 0.65657.
gnomAD v4.1: 1,328,588 of 1,599,292 alleles (83%); highest among the groups gnomAD compares: East Asian, 96%; 567,838 homozygotes.

Submissions (15):

Labcorp Genetics (formerly Invitae), Labcorp
Classification: Benign for Multiple acyl-CoA dehydrogenase deficiency. Last evaluated: 2026-02-04. Review status: criteria provided, single submitter. Criteria: Invitae Variant Classification Sherloc (09022015). Collection method: clinical testing. Allele origin: germline.

Women's Health and Genetics/Laboratory Corporation of America, LabCorp
Classification: Benign. Last evaluated: 2025-11-05. Review status: criteria provided, single submitter. Criteria: LabCorp Variant Classification Summary - May 2015. Collection method: clinical testing. Allele origin: germline.

ARUP Laboratories, Molecular Genetics and Genomics, ARUP Laboratories
Classification: Benign for Multiple acyl-CoA dehydrogenase deficiency. Last evaluated: 2025-07-18. Review status: criteria provided, single submitter. Criteria: ARUP Molecular Germline Variant Investigation Process 2024. Collection method: clinical testing. Allele origin: germline.

Blueprint Genetics
Classification: Benign. Last evaluated: 2024-11-26. Review status: criteria provided, single submitter. Criteria: ACMG Guidelines, 2015. Collection method: clinical testing. Allele origin: germline.

Genome-Nilou Lab
Classification: Benign for Multiple acyl-CoA dehydrogenase deficiency. Last evaluated: 2021-07-30. Review status: criteria provided, single submitter. Criteria: ACMG Guidelines, 2015. Collection method: clinical testing. Allele origin: germline. Affected: no.

Pars Genome Lab
Classification: Benign for Multiple acyl-CoA dehydrogenase deficiency. Last evaluated: 2021-06-15. Review status: criteria provided, single submitter. Criteria: ACMG Guidelines, 2015. Collection method: clinical testing. Allele origin: germline. Affected: no.

Mendelics
Classification: Benign for Multiple acyl-CoA dehydrogenase deficiency. Last evaluated: 2019-05-28. Review status: criteria provided, single submitter. Criteria: Mendelics Assertion Criteria 2017. Collection method: clinical testing. Allele origin: unknown.

Illumina Laboratory Services, Illumina
Classification: Benign for Multiple acyl-CoA dehydrogenase deficiency. Last evaluated: 2018-01-12. Review status: criteria provided, single submitter. Criteria: ICSL Variant Classification Criteria 13 December 2019. Collection method: clinical testing. Allele origin: germline.
Comment: This variant was observed in the ICSL laboratory as part of a predisposition screen in an ostensibly healthy population. It had not been previously curated by ICSL or reported in the Human Gene Mutation Database (HGMD: prior to June 1st, 2018), and was therefore a candidate for classification through an automated scoring system. Utilizing variant allele frequency, disease prevalence and penetrance estimates, and inheritance mode, an automated score was calculated to assess if this variant is too frequent to cause the disease. Based on the score and internal cut-off values, a variant classified as benign is not then subjected to further curation. The score for this variant resulted in a classification of benign for this disease.

GeneDx
Classification: Benign. Last evaluated: 2015-03-03. Review status: criteria provided, single submitter. Criteria: GeneDx Variant Classification Process June 2021. Collection method: clinical testing. Allele origin: germline. Affected: yes.

Eurofins Ntd Llc (ga)
Classification: Benign. Last evaluated: 2013-07-25. Review status: criteria provided, single submitter. Criteria: EGL Classification Definitions 2015. Collection method: clinical testing. Allele origin: germline. Observed: 54 variant alleles, 22 heterozygotes, 32 homozygotes.

Breakthrough Genomics
Classification: Benign. Review status: criteria provided, single submitter. Criteria: ACMG Guidelines, 2015. Collection method: not provided. Allele origin: germline. Inheritance: Autosomal recessive inheritance. Affected: yes.

Natera, Inc.
Classification: Benign for Glutaric acidemia type 2C. Last evaluated: 2019-11-18. Review status: no assertion criteria provided. Collection method: clinical testing. Allele origin: germline. Not counted in ClinVar's aggregate classification.

Mayo Clinic Laboratories, Mayo Clinic
Classification: Benign. Last evaluated: 2016-02-15. Review status: no assertion criteria provided. Collection method: clinical testing. Allele origin: unknown. Not counted in ClinVar's aggregate classification.

Diagnostic Laboratory, Department of Genetics, University Medical Center Groningen
Classification: Benign. Review status: no assertion criteria provided. Collection method: clinical testing. Allele origin: germline. Affected: yes. Study: VKGL Data-share Consensus. Not counted in ClinVar's aggregate classification.

Joint Genome Diagnostic Labs from Nijmegen and Maastricht, Radboudumc and MUMC+
Classification: Benign. Review status: no assertion criteria provided. Collection method: clinical testing. Allele origin: germline. Affected: yes. Study: VKGL Data-share Consensus. Not counted in ClinVar's aggregate classification.

NM_004453.4(ETFDH):c.92C>T (p.Thr31Ile)

Gene: ETFDH (electron transfer flavoprotein dehydrogenase; plus strand). Cytogenetic location: 4q32.1.
Variant type: single nucleotide variant.
Coding change: c.92C>T on transcript NM_004453.4 (MANE Select); coding-DNA position 92, C replaced by T.
Protein change: p.Thr31Ile; replaces threonine 31 with isoleucine.
Molecular consequence: missense variant. On other transcripts: intron variant (1).
Genome position (GRCh38, 1-based): chr4:158,680,524, C>T. VCF-style: chr4-158680524-C-T. GRCh37 (hg19) VCF-style: chr4-159601676-C-T.
Other names: c.35-1671C>T (NM_001281737.2); short protein forms T31I.
Identifiers: ClinVar variation 95075 (VCV000095075.34), dbSNP rs11559290, ClinGen allele CA148156.
Genomic context (GRCh38, chr4:158,680,524, plus strand): 5'-CAGCATATCAGTGCTTTCATGCCTTAAAAATTAAGAAAAATTATCTACCTCTATGTGCTA[C>T]AAGATGGTCTTCAACTTCTACTGTGCCTCGAATTACTACCCATTATACTATTTATCCCCG-3'
Protein context (NP_004444.2, residues 21-41): IKKNYLPLCA[Thr31Ile]RWSSTSTVPR